The following is an entry in ClinVar:

ClinVar aggregate classification (germline): Uncertain significance. Review status: criteria provided, single submitter (1 of 4 stars). 2 submissions from 2 submitters: Uncertain significance (1). 1 of the submissions does not count toward it. Last evaluated 2018-05-20.

Conditions:
Cardiomyopathy (CMYO). Also called: Cardiomyopathies. Identifiers: Orphanet 167848, MedGen C0878544, MONDO:0004994, HP:0001638. Inheritance: Various modes of inheritance.
Dystrophin deficiency.
Duchenne muscular dystrophy (DMD). Also called: MUSCULAR DYSTROPHY, PSEUDOHYPERTROPHIC PROGRESSIVE, DUCHENNE TYPE; Duchenne Muscular Dystrophy (DMD). Identifiers: Orphanet 98896, MedGen C0013264, MONDO:0010679, OMIM 310200.
Becker muscular dystrophy (BMD). Also called: Becker Muscular Dystrophy (BMD); MUSCULAR DYSTROPHY, PSEUDOHYPERTROPHIC PROGRESSIVE, BECKER TYPE. Identifiers: Orphanet 98895, MedGen C0917713, MONDO:0010311, OMIM 300376.

Allele frequency attached by ClinVar (database versions not stated): gnomAD exomes below 0.00001.
gnomAD v4.1: 1 of 1,210,610 alleles (0.000083%); highest among the groups gnomAD compares: Non-Finnish European, 0.00011%; no homozygotes.

Submissions (2):

Labcorp Genetics (formerly Invitae), Labcorp
Classification: Uncertain significance for Duchenne muscular dystrophy. Last evaluated: 2018-05-20. Review status: criteria provided, single submitter. Criteria: Invitae Variant Classification Sherloc (09022015). Collection method: clinical testing. Allele origin: germline.
Comment: In summary, the available evidence is currently insufficient to determine the role of this variant in disease. Therefore, it has been classified as a Variant of Uncertain Significance. Algorithms developed to predict the effect of missense changes on protein structure and function (SIFT, PolyPhen-2, Align-GVGD) all suggest that this variant is likely to be disruptive, but these predictions have not been confirmed by published functional studies and their clinical significance is uncertain. This variant has not been reported in the literature in individuals with DMD-related disease. This variant is not present in population databases (ExAC no frequency). This sequence change replaces serine with phenylalanine at codon 310 of the DMD protein (p.Ser310Phe). The serine residue is highly conserved and there is a large physicochemical difference between serine and phenylalanine.

Natera, Inc.
Classification: Uncertain significance for Becker muscular dystrophy; Cardiomyopathy; Duchenne muscular dystrophy; Dystrophin deficiency. Last evaluated: 2020-10-30. Review status: no assertion criteria provided. Collection method: clinical testing. Allele origin: germline. Not counted in ClinVar's aggregate classification.

NM_004006.3(DMD):c.929C>T (p.Ser310Phe)

Gene: DMD (dystrophin; minus strand). Cytogenetic location: Xp21.1.
Variant type: single nucleotide variant.
Coding change: c.929C>T on transcript NM_004006.3 (MANE Select); coding-DNA position 929, C replaced by T.
Protein change: p.Ser310Phe; replaces serine 310 with phenylalanine.
Molecular consequence: missense variant.
Genome position (GRCh38, 1-based): chrX:32,697,901, G>A on the plus strand (C>T on the coding strand, the complement: DMD is on the minus strand). VCF-style: chrX-32697901-G-A. GRCh37 (hg19) VCF-style: chrX-32716018-G-A.
Other names: c.905C>T, p.Ser302Phe (NM_000109.4); c.917C>T, p.Ser306Phe (NM_004009.3); c.560C>T, p.Ser187Phe (NM_004010.3); short protein forms S187F, S302F, S306F, S310F.
Identifiers: ClinVar variation 1026030 (VCV001026030.9), dbSNP rs2063773395, ClinGen allele CA412668449.